The following is an entry in ClinVar:

NM_000059.4(BRCA2):c.4528C>T (p.Pro1510Ser)

Gene: BRCA2 (BRCA2 DNA repair associated; plus strand). Cytogenetic location: 13q13.1.
Variant type: single nucleotide variant.
Coding change: c.4528C>T on transcript NM_000059.4 (MANE Select); coding-DNA position 4528, C replaced by T.
Protein change: p.Pro1510Ser; replaces proline 1510 with serine.
Molecular consequence: missense variant.
Genome position (GRCh38, 1-based): chr13:32,338,883, C>T. VCF-style: chr13-32338883-C-T. GRCh37 (hg19) VCF-style: chr13-32913020-C-T.
Other names: c.4528C>T, p.Pro1510Ser (NM_001406719.1, NM_001406720.1); short protein forms P1510S.
Identifiers: ClinVar variation 1741242 (VCV001741242.6), dbSNP rs2137507279, ClinGen allele CA387781689.

ClinVar aggregate classification (germline): Conflicting classifications of pathogenicity. Review status: criteria provided, conflicting classifications (1 of 4 stars). 3 submissions from 3 submitters: Uncertain significance (2); Likely benign (1). Last evaluated 2024-12-29.

Conditions:
Hereditary cancer-predisposing syndrome. Also called: Hereditary Cancer Syndrome; Hereditary neoplastic syndrome; Neoplastic Syndromes, Hereditary; Tumor predisposition. Identifiers: Orphanet 140162, MedGen C0027672, MeSH D009386, MONDO:0015356.
Hereditary breast ovarian cancer syndrome. Also called: Hereditary breast and ovarian cancer syndrome (HBOC); Hereditary breast and ovarian cancer syndrome; Breast and ovarian cancer; Hereditary breast and/or ovarian cancer syndrome; Hereditary breast and ovarian cancer; BRCA1- and BRCA2-Associated Hereditary Breast and Ovarian Cancer. Identifiers: Orphanet 145, MedGen C0677776, MeSH D061325, MONDO:0003582. Disease mechanism: loss of function.

Submissions (3):

Labcorp Genetics (formerly Invitae), Labcorp
Classification: Uncertain significance for Hereditary breast ovarian cancer syndrome. Last evaluated: 2024-12-29. Review status: criteria provided, single submitter. Criteria: Invitae Variant Classification Sherloc (09022015). Collection method: clinical testing. Allele origin: germline.
Comment: This sequence change replaces proline, which is neutral and non-polar, with serine, which is neutral and polar, at codon 1510 of the BRCA2 protein (p.Pro1510Ser). This variant is not present in population databases (gnomAD no frequency). This variant has not been reported in the literature in individuals affected with BRCA2-related conditions. ClinVar contains an entry for this variant (Variation ID: 1741242). Invitae Evidence Modeling of protein sequence and biophysical properties (such as structural, functional, and spatial information, amino acid conservation, physicochemical variation, residue mobility, and thermodynamic stability) indicates that this missense variant is not expected to disrupt BRCA2 protein function with a negative predictive value of 95%. In summary, the available evidence is currently insufficient to determine the role of this variant in disease. Therefore, it has been classified as a Variant of Uncertain Significance.

University of Washington Department of Laboratory Medicine, University of Washington
Classification: Likely benign for Hereditary cancer-predisposing syndrome. Last evaluated: 2023-03-23. Review status: criteria provided, single submitter. Criteria: Dines et al. (Genet Med. 2020). Collection method: curation. Allele origin: germline.
Comment: Missense variant in a coldspot region where missense variants are very unlikely to be pathogenic (PMID:31911673).

BRCA2 exon 11 coldspot. Reclassification based on statistical prior probability.

Ambry Genetics
Classification: Uncertain significance for Hereditary cancer-predisposing syndrome. Last evaluated: 2022-06-28. Review status: criteria provided, single submitter. Criteria: Ambry Variant Classification Scheme 2023. Collection method: clinical testing. Allele origin: germline.
Comment: The p.P1510S variant (also known as c.4528C>T), located in coding exon 10 of the BRCA2 gene, results from a C to T substitution at nucleotide position 4528. The proline at codon 1510 is replaced by serine, an amino acid with similar properties. This amino acid position is conserved. In addition, this alteration is predicted to be tolerated by in silico analysis. Since supporting evidence is limited at this time, the clinical significance of this alteration remains unclear.